The following is an entry in ClinVar:

NM_015041.3(CLUAP1):c.1217T>C (p.Leu406Pro)

Gene: CLUAP1 (clusterin associated protein 1; plus strand). Cytogenetic location: 16p13.3.
Variant type: single nucleotide variant.
Coding change: c.1217T>C on transcript NM_015041.3 (MANE Select); coding-DNA position 1217, T replaced by C.
Protein change: p.Leu406Pro; replaces leucine 406 with proline.
Molecular consequence: missense variant.
Genome position (GRCh38, 1-based): chr16:3,536,246, T>C. VCF-style: chr16-3536246-T-C. GRCh37 (hg19) VCF-style: chr16-3586246-T-C.
Other names: c.1274T>C, p.Leu425Pro (NM_001330454.2); c.719T>C, p.Leu240Pro (NM_024793.3); short protein forms L240P, L406P, L425P.
Identifiers: ClinVar variation 4741194 (VCV004741194.1).

ClinVar aggregate classification (germline): Uncertain significance (1 of 4 stars; one submission).

gnomAD v4.1: 1 of 1,614,126 alleles (0.000062%); highest among the groups gnomAD compares: Non-Finnish European, 0.000085%; no homozygotes.

Submission:

Labcorp Genetics (formerly Invitae), Labcorp
Classification: Uncertain significance. Last evaluated: 2025-02-04. Review status: criteria provided, single submitter. Criteria: Invitae Variant Classification Sherloc (09022015). Collection method: clinical testing. Allele origin: germline.
Comment: This sequence change replaces leucine, which is neutral and non-polar, with proline, which is neutral and non-polar, at codon 406 of the CLUAP1 protein (p.Leu406Pro). This variant is not present in population databases (gnomAD no frequency). This variant has not been reported in the literature in individuals affected with CLUAP1-related conditions. Invitae Evidence Modeling of protein sequence and biophysical properties (such as structural, functional, and spatial information, amino acid conservation, physicochemical variation, residue mobility, and thermodynamic stability) indicates that this missense variant is not expected to disrupt CLUAP1 protein function with a negative predictive value of 80%. In summary, the available evidence is currently insufficient to determine the role of this variant in disease. Therefore, it has been classified as a Variant of Uncertain Significance.